The following is an entry in ClinVar:

ClinVar aggregate classification (germline): Uncertain significance (1 of 4 stars; one submission).

Conditions:
Mendelian susceptibility to mycobacterial diseases due to partial STAT1 deficiency. Also called: IMMUNODEFICIENCY 31A, MYCOBACTERIOSIS, AUTOSOMAL DOMINANT; STAT1 DEFICIENCY, AUTOSOMAL DOMINANT; Immunodeficiency 31a. Identifiers: Orphanet 319595, MedGen C4013950, MONDO:0013956, OMIM 614892.
Immunodeficiency 31B. Also called: STAT1 DEFICIENCY, AUTOSOMAL RECESSIVE; IMMUNODEFICIENCY 31B, MYCOBACTERIAL AND VIRAL INFECTIONS, AUTOSOMAL RECESSIVE. Identifiers: Orphanet 391311, MedGen C3151088, MONDO:0013427, OMIM 613796.
Autoimmune enteropathy and endocrinopathy - susceptibility to chronic infections syndrome. Also called: Immunodeficiency 31C; Immunodeficiency 31C, autosomal dominant. Identifiers: Orphanet 391487, MedGen C3279990, MONDO:0013599, OMIM 614162.

Submission:

Labcorp Genetics (formerly Invitae), Labcorp
Classification: Uncertain significance for Mendelian susceptibility to mycobacterial diseases due to partial STAT1 deficiency; Immunodeficiency 31B; Autoimmune enteropathy and endocrinopathy - susceptibility to chronic infections syndrome. Last evaluated: 2023-07-19. Review status: criteria provided, single submitter. Criteria: Invitae Variant Classification Sherloc (09022015). Collection method: clinical testing. Allele origin: germline.
Comment: In summary, the available evidence is currently insufficient to determine the role of this variant in disease. Therefore, it has been classified as a Variant of Uncertain Significance. An algorithm developed to predict the effect of missense changes on protein structure and function (PolyPhen-2) suggests that this variant is likely to be disruptive. ClinVar contains an entry for this variant (Variation ID: 2151953). This missense change has been observed in individual(s) with clinical features of STAT1-related conditions (PMID: 27146670). This variant is not present in population databases (gnomAD no frequency). This sequence change replaces arginine, which is basic and polar, with cysteine, which is neutral and slightly polar, at codon 70 of the STAT1 protein (p.Arg70Cys).

Literature cited by the submitters: PubMed 27146670.

NM_007315.4(STAT1):c.208C>T (p.Arg70Cys)

Gene: STAT1 (signal transducer and activator of transcription 1; minus strand). Cytogenetic location: 2q32.2.
Variant type: single nucleotide variant.
Coding change: c.208C>T on transcript NM_007315.4 (MANE Select); coding-DNA position 208, C replaced by T.
Protein change: p.Arg70Cys; replaces arginine 70 with cysteine.
Molecular consequence: missense variant.
Genome position (GRCh38, 1-based): chr2:191,009,028, G>A on the plus strand (C>T on the coding strand, the complement: STAT1 is on the minus strand). VCF-style: chr2-191009028-G-A. GRCh37 (hg19) VCF-style: chr2-191873754-G-A.
Other names: c.208C>T, p.Arg70Cys (NM_001384880.1, NM_001384882.1, NM_001384883.1 and 7 more transcripts); c.214C>T, p.Arg72Cys (NM_001384881.1, NM_001384884.1); c.244C>T, p.Arg82Cys (NM_001384891.1); short protein forms R72C, R70C, R82C.
Identifiers: ClinVar variation 2151953 (VCV002151953.4), dbSNP rs2470565317, ClinGen allele CA349927976.